The following is an entry in ClinVar:

ClinVar aggregate classification (germline): Uncertain significance. Review status: criteria provided, multiple submitters, no conflicts (2 of 4 stars). 2 submissions from 2 submitters: Uncertain significance (2). Last evaluated 2022-06-19.

Conditions:
Autosomal dominant hypocalcemia 1 (HYPOC1). Also called: HYPOCALCEMIA, FAMILIAL. Identifiers: MedGen C3715128, MONDO:0011013, OMIM 601198.
Familial hypocalciuric hypercalcemia (FHH). Also called: Familial benign hypercalcemia. Identifiers: Orphanet 405, MedGen C1809471, MONDO:0018458.
Nephrolithiasis/nephrocalcinosis. Identifiers: MedGen CN580796.

Allele frequency attached by ClinVar (database versions not stated): TOPMed below 0.00001; gnomAD 0.00001; gnomAD exomes 0.00001.
gnomAD v4.1: 6 of 1,614,002 alleles (0.00037%); highest among the groups gnomAD compares: Non-Finnish European, 0.00051%; no homozygotes.

Submissions (2):

Labcorp Genetics (formerly Invitae), Labcorp
Classification: Uncertain significance for Familial hypocalciuric hypercalcemia; Autosomal dominant hypocalcemia 1. Last evaluated: 2022-06-19. Review status: criteria provided, single submitter. Criteria: Invitae Variant Classification Sherloc (09022015). Collection method: clinical testing. Allele origin: germline.
Comment: This sequence change replaces glutamic acid, which is acidic and polar, with lysine, which is basic and polar, at codon 405 of the CASR protein (p.Glu405Lys). This variant is not present in population databases (gnomAD no frequency). In summary, the available evidence is currently insufficient to determine the role of this variant in disease. Therefore, it has been classified as a Variant of Uncertain Significance. Algorithms developed to predict the effect of missense changes on protein structure and function are either unavailable or do not agree on the potential impact of this missense change (SIFT: "Deleterious"; PolyPhen-2: "Benign"; Align-GVGD: "Class C55"). ClinVar contains an entry for this variant (Variation ID: 1007879). This variant has not been reported in the literature in individuals affected with CASR-related conditions.

Ambry Genetics
Classification: Uncertain significance for Nephrolithiasis/nephrocalcinosis. Last evaluated: 2020-01-27. Review status: criteria provided, single submitter. Criteria: Ambry Variant Classification Scheme 2023. Collection method: clinical testing. Allele origin: germline.
Comment: The p.E405K variant (also known as c.1213G>A), located in coding exon 3 of the CASR gene, results from a G to A substitution at nucleotide position 1213. The glutamic acid at codon 405 is replaced by lysine, an amino acid with similar properties. This amino acid position is highly conserved in available vertebrate species. In addition, this alteration is predicted to be deleterious by in silico analysis. Since supporting evidence is limited at this time, the clinical significance of this alteration remains unclear.

NM_000388.4(CASR):c.1213G>A (p.Glu405Lys)

Gene: CASR (calcium sensing receptor; plus strand). Cytogenetic location: 3q21.1.
Variant type: single nucleotide variant.
Coding change: c.1213G>A on transcript NM_000388.4 (MANE Select); coding-DNA position 1213, G replaced by A.
Protein change: p.Glu405Lys; replaces glutamic acid 405 with lysine.
Molecular consequence: missense variant.
Genome position (GRCh38, 1-based): chr3:122,262,248, G>A. VCF-style: chr3-122262248-G-A. GRCh37 (hg19) VCF-style: chr3-121981095-G-A.
Other names: c.1213G>A, p.Glu405Lys (NM_001178065.2); short protein forms E405K.
Identifiers: ClinVar variation 1007879 (VCV001007879.11), dbSNP rs868784672, ClinGen allele CA82739006.
Genomic context (GRCh38, chr3:122,262,248, plus strand): 5'-AGCAACAGCTCGACAGCCTTCCGACCCCTCTGTACAGGGGATGAGAACATCAGCAGTGTC[G>A]AGACCCCTTACATAGATTACACGCATTTACGGATATCCTACAATGTGTACTTAGCAGTCT-3'
Protein context (NP_000379.3, residues 395-415): CTGDENISSV[Glu405Lys]TPYIDYTHLR